The following is an entry in ClinVar:

NM_020812.4(DOCK6):c.2965C>G (p.Leu989Val)

Gene: DOCK6 (dedicator of cytokinesis 6; minus strand). Cytogenetic location: 19p13.2.
Variant type: single nucleotide variant.
Coding change: c.2965C>G on transcript NM_020812.4 (MANE Select); coding-DNA position 2965, C replaced by G.
Protein change: p.Leu989Val; replaces leucine 989 with valine.
Molecular consequence: missense variant.
Genome position (GRCh38, 1-based): chr19:11,223,097, G>C on the plus strand (C>G on the coding strand, the complement: DOCK6 is on the minus strand). VCF-style: chr19-11223097-G-C. GRCh37 (hg19) VCF-style: chr19-11333773-G-C.
Other names: c.3070C>G, p.Leu1024Val (NM_001367830.1); short protein forms L1024V, L989V.
Identifiers: ClinVar variation 3026830 (VCV003026830.22), dbSNP rs2513042080, ClinGen allele CA404091126.

ClinVar aggregate classification (germline): Uncertain significance (1 of 4 stars; one submission).

Submission:

CeGaT Center for Human Genetics Tuebingen
Classification: Uncertain significance. Last evaluated: 2023-12-01. Review status: criteria provided, single submitter. Criteria: CeGaT Center For Human Genetics Tuebingen Variant Classification Criteria Version 2. Collection method: clinical testing. Allele origin: germline. Affected: yes. Observed: 1 variant allele.
Comment: DOCK6: PM2, BP4